The following is an entry in ClinVar:

NM_206933.4(USH2A):c.12893A>G (p.Tyr4298Cys)

Gene: USH2A (usherin; minus strand). Cytogenetic location: 1q41.
Variant type: single nucleotide variant.
Coding change: c.12893A>G on transcript NM_206933.4 (MANE Select); coding-DNA position 12893, A replaced by G.
Protein change: p.Tyr4298Cys; replaces tyrosine 4298 with cysteine.
Molecular consequence: missense variant.
Genome position (GRCh38, 1-based): chr1:215,675,018, T>C on the plus strand (A>G on the coding strand, the complement: USH2A is on the minus strand). VCF-style: chr1-215675018-T-C. GRCh37 (hg19) VCF-style: chr1-215848360-T-C.
Other names: short protein forms Y4298C.
Identifiers: ClinVar variation 4746918 (VCV004746918.1).

ClinVar aggregate classification (germline): Pathogenic (1 of 4 stars; one submission).

gnomAD v4.1: 2 of 1,614,028 alleles (0.00012%); highest among the groups gnomAD compares: Non-Finnish European, 0.00017%; no homozygotes.

Submission:

Labcorp Genetics (formerly Invitae), Labcorp
Classification: Pathogenic. Last evaluated: 2025-06-11. Review status: criteria provided, single submitter. Criteria: Invitae Variant Classification Sherloc (09022015). Collection method: clinical testing. Allele origin: germline.
Comment: This sequence change replaces tyrosine, which is neutral and polar, with cysteine, which is neutral and slightly polar, at codon 4298 of the USH2A protein (p.Tyr4298Cys). This variant is not present in population databases (gnomAD no frequency). This missense change has been observed in individual(s) with Usher syndrome (PMID: 27460420). Invitae Evidence Modeling of protein sequence and biophysical properties (such as structural, functional, and spatial information, amino acid conservation, physicochemical variation, residue mobility, and thermodynamic stability) indicates that this missense variant is expected to disrupt USH2A protein function with a positive predictive value of 95%. This variant disrupts the p.Tyr4298 amino acid residue in USH2A. Other variant(s) that disrupt this residue have been observed in individuals with USH2A-related conditions (PMID: 27460420, 32531858), which suggests that this may be a clinically significant amino acid residue. For these reasons, this variant has been classified as Pathogenic.

Literature cited by the submitters: PubMed 27460420; PubMed 32531858.